The following is an entry in ClinVar:

ClinVar aggregate classification (germline): Uncertain significance. Review status: criteria provided, multiple submitters, no conflicts (2 of 4 stars). 3 submissions from 3 submitters: Uncertain significance (3). Last evaluated 2025-06-30.

Conditions:
Inborn genetic diseases. Identifiers: MedGen C0950123, MeSH D030342.
Vici syndrome (VICIS). Identifiers: Orphanet 1493, MedGen C1855772, MONDO:0009452, OMIM 242840.

Allele frequency attached by ClinVar (database versions not stated): ExAC 0.00001; gnomAD exomes 0.00001.
gnomAD v4.1: 10 of 1,614,104 alleles (0.00062%); highest among the groups gnomAD compares: Non-Finnish European, 0.00085%; no homozygotes.

Submissions (3):

Ambry Genetics
Classification: Uncertain significance for Inborn genetic diseases. Last evaluated: 2025-06-30. Review status: criteria provided, single submitter. Criteria: Ambry Variant Classification Scheme 2023. Collection method: clinical testing. Allele origin: germline.

Women's Health and Genetics/Laboratory Corporation of America, LabCorp
Classification: Uncertain significance. Last evaluated: 2024-07-24. Review status: criteria provided, single submitter. Criteria: LabCorp Variant Classification Summary - May 2015. Collection method: clinical testing. Allele origin: germline.
Comment: Variant summary: EPG5 c.3152C>T (p.Ser1051Leu) results in a non-conservative amino acid change in the encoded protein sequence. Four of five in-silico tools predict a damaging effect of the variant on protein function. The variant allele was found at a frequency of 1.2e-05 in 249506 control chromosomes (gnomAD). The available data on variant occurrences in the general population are insufficient to allow any conclusion about variant significance. To our knowledge, no occurrence of c.3152C>T in individuals affected with Vici Syndrome and no experimental evidence demonstrating its impact on protein function have been reported. ClinVar contains an entry for this variant (Variation ID: 3020151). Based on the evidence outlined above, the variant was classified as uncertain significance.

Labcorp Genetics (formerly Invitae), Labcorp
Classification: Uncertain significance for Vici syndrome. Last evaluated: 2023-11-25. Review status: criteria provided, single submitter. Criteria: Invitae Variant Classification Sherloc (09022015). Collection method: clinical testing. Allele origin: germline.
Comment: This sequence change replaces serine, which is neutral and polar, with leucine, which is neutral and non-polar, at codon 1051 of the EPG5 protein (p.Ser1051Leu). This variant is present in population databases (rs746885334, gnomAD 0.003%). This variant has not been reported in the literature in individuals affected with EPG5-related conditions. Advanced modeling of protein sequence and biophysical properties (such as structural, functional, and spatial information, amino acid conservation, physicochemical variation, residue mobility, and thermodynamic stability) has been performed at Invitae for this missense variant, however the output from this modeling did not meet the statistical confidence thresholds required to predict the impact of this variant on EPG5 protein function. In summary, the available evidence is currently insufficient to determine the role of this variant in disease. Therefore, it has been classified as a Variant of Uncertain Significance.

NM_020964.3(EPG5):c.3152C>T (p.Ser1051Leu)

Gene: EPG5 (ectopic P-granules 5 autophagy tethering factor; minus strand). Cytogenetic location: 18q21.1.
Variant type: single nucleotide variant.
Coding change: c.3152C>T on transcript NM_020964.3 (MANE Select); coding-DNA position 3152, C replaced by T.
Protein change: p.Ser1051Leu; replaces serine 1051 with leucine.
Molecular consequence: missense variant.
Genome position (GRCh38, 1-based): chr18:45,917,766, G>A on the plus strand (C>T on the coding strand, the complement: EPG5 is on the minus strand). VCF-style: chr18-45917766-G-A. GRCh37 (hg19) VCF-style: chr18-43497731-G-A.
Other names: c.3152C>T (NM_020964.2); c.3152C>T, p.Ser1051Leu (NM_001410858.1, NM_001410859.1); short protein forms S1051L.
Identifiers: ClinVar variation 3020151 (VCV003020151.5), dbSNP rs746885334, ClinGen allele CA8949254.